The following is an entry in ClinVar:

ClinVar aggregate classification (germline): Likely benign (1 of 4 stars; one submission).

gnomAD v4.1: 3 of 1,614,224 alleles (0.00019%); highest among the groups gnomAD compares: Non-Finnish European, 0.00025%; no homozygotes.

Submission:

CeGaT Center for Human Genetics Tuebingen
Classification: Likely benign. Last evaluated: 2026-04-01. Review status: criteria provided, single submitter. Criteria: CeGaT Center For Human Genetics Tuebingen Variant Classification Criteria Version 2. Collection method: clinical testing. Allele origin: germline. Affected: yes. Observed: 1 variant allele.
Comment: PDZD8: BP4, BP7

NM_173791.5(PDZD8):c.1980T>C (p.Asp660=)

Gene: PDZD8 (PDZ domain containing 8; minus strand). Cytogenetic location: 10q25.3.
Variant type: single nucleotide variant.
Coding change: c.1980T>C on transcript NM_173791.5 (MANE Select); coding-DNA position 1980, T replaced by C.
Protein change: p.Asp660=; no amino-acid change (aspartic acid 660 retained).
Molecular consequence: synonymous variant.
Genome position (GRCh38, 1-based): chr10:117,284,753, A>G on the plus strand (T>C on the coding strand, the complement: PDZD8 is on the minus strand). VCF-style: chr10-117284753-A-G. GRCh37 (hg19) VCF-style: chr10-119044264-A-G.
Identifiers: ClinVar variation 4874533 (VCV004874533.2).